The following is an entry in ClinVar:

ClinVar aggregate classification (germline): Likely benign. Review status: criteria provided, multiple submitters, no conflicts (2 of 4 stars). 2 submissions from 2 submitters: Likely benign (2). Last evaluated 2025-11-12.

Conditions:
Pheochromocytoma/paraganglioma syndrome 5. Also called: Paragangliomas 5; SDHA-Related Hereditary Paraganglioma-Pheochromocytoma Syndrome. Identifiers: Orphanet 29072, MedGen C3279992, MONDO:0013602, OMIM 614165.
Mitochondrial complex II deficiency, nuclear type 1. Also called: SUCCINATE CoQ REDUCTASE DEFICIENCY. Identifiers: Orphanet 3208, MedGen C5700310, MONDO:0100294, OMIM 252011.

Allele frequency attached by ClinVar (database versions not stated): gnomAD exomes below 0.00001 and 0.00002; gnomAD 0.00001; TOPMed 0.00001.
gnomAD v4.1: 35 of 1,564,748 alleles (0.0022%); highest among the groups gnomAD compares: Non-Finnish European, 0.0031%; no homozygotes.

Submissions (2):

Labcorp Genetics (formerly Invitae), Labcorp
Classification: Likely benign for Pheochromocytoma/paraganglioma syndrome 5; Mitochondrial complex II deficiency, nuclear type 1. Last evaluated: 2025-11-12. Review status: criteria provided, single submitter. Criteria: Invitae Variant Classification Sherloc (09022015). Collection method: clinical testing. Allele origin: germline.

Myriad Genetics, Inc.
Classification: Likely benign for Pheochromocytoma/paraganglioma syndrome 5. Last evaluated: 2025-02-28. Review status: criteria provided, single submitter. Criteria: Myriad Autosomal Dominant, Autosomal Recessive and X-Linked Classification Criteria (2023). Collection method: clinical testing. Allele origin: unknown.
Comment: This variant is considered likely benign. This variant is intronic and is not expected to impact mRNA splicing.

NM_004168.4(SDHA):c.64-19G>A

Gene: SDHA (succinate dehydrogenase complex flavoprotein subunit A; plus strand). Cytogenetic location: 5p15.33.
Variant type: single nucleotide variant.
Coding change: c.64-19G>A on transcript NM_004168.4 (MANE Select); 19 bases into the intron before coding-DNA position 64, G replaced by A.
Molecular consequence: intron variant.
Genome position (GRCh38, 1-based): chr5:223,463, G>A. VCF-style: chr5-223463-G-A. GRCh37 (hg19) VCF-style: chr5-223578-G-A.
Other names: c.64-19G>A (NM_001330758.2, NM_001294332.2).
Identifiers: ClinVar variation 1622802 (VCV001622802.9), dbSNP rs1490248268, ClinGen allele CA557111750.